The following is an entry in ClinVar:

ClinVar aggregate classification (germline): Uncertain significance (1 of 4 stars; one submission).

gnomAD v4.1: 1 of 1,614,186 alleles (0.000062%); highest among the groups gnomAD compares: Admixed American, 0.0017%; no homozygotes.

Submission:

Women's Health and Genetics/Laboratory Corporation of America, LabCorp
Classification: Uncertain significance. Last evaluated: 2025-07-15. Review status: criteria provided, single submitter. Criteria: LabCorp Variant Classification Summary - May 2015. Collection method: clinical testing. Allele origin: germline.
Comment: Variant summary: KMT2C c.7912T>A (p.Ser2638Thr) results in a conservative amino acid change in the encoded protein sequence. Algorithms developed to predict the effect of missense changes on protein structure and function all suggest that this variant is likely to be tolerated. The variant allele was found at a frequency of 4e-06 in 251408 control chromosomes. The available data on variant occurrences in the general population are insufficient to allow any conclusion about variant significance. To our knowledge, no occurrence of c.7912T>A in individuals affected with Kleefstra Syndrome 2 and no experimental evidence demonstrating its impact on protein function have been reported. No submitters have cited clinical-significance assessments for this variant to ClinVar. Based on the evidence outlined above, the variant was classified as uncertain significance.

NM_170606.3(KMT2C):c.7912T>A (p.Ser2638Thr)

Gene: KMT2C (lysine methyltransferase 2C; minus strand). Cytogenetic location: 7q36.1.
Variant type: single nucleotide variant.
Coding change: c.7912T>A on transcript NM_170606.3 (MANE Select); coding-DNA position 7912, T replaced by A.
Protein change: p.Ser2638Thr; replaces serine 2638 with threonine.
Molecular consequence: missense variant.
Genome position (GRCh38, 1-based): chr7:152,177,541, A>T on the plus strand (T>A on the coding strand, the complement: KMT2C is on the minus strand). VCF-style: chr7-152177541-A-T. GRCh37 (hg19) VCF-style: chr7-151874626-A-T.
Other names: short protein forms S2638T.
Identifiers: ClinVar variation 4525876 (VCV004525876.1).